The following is an entry in ClinVar:

NM_024675.4(PALB2):c.1163dup (p.Leu389fs)

Gene: PALB2 (partner and localizer of BRCA2; minus strand). Cytogenetic location: 16p12.2.
Variant type: Duplication.
Coding change: c.1163dup on transcript NM_024675.4 (MANE Select); coding-DNA position 1163, one base duplicated (C; older notation c.1163dupC).
Protein change: p.Leu389fs; shifts the reading frame from leucine 389.
Molecular consequence: frameshift variant.
Genome position (GRCh38, 1-based): chr16:23,635,383, G duplicated on the plus strand (C on the coding strand, the reverse complement: PALB2 is on the minus strand); the first of 2 consecutive G bases (chr16:23,635,383-23,635,384); duplicating either gives the same sequence. VCF-style (leftmost placement, unchanged base first): chr16-23635382-A-AG. GRCh37 (hg19) VCF-style: chr16-23646703-A-AG.
Other names: c.1163dupC (NM_024675.3); short protein forms L389fs.
Identifiers: ClinVar variation 422680 (VCV000422680.17), dbSNP rs869312772, ClinGen allele CA16620152.

ClinVar aggregate classification (germline): Pathogenic/Likely pathogenic. Review status: criteria provided, multiple submitters, no conflicts (2 of 4 stars). 5 submissions from 5 submitters: Pathogenic (4); Likely pathogenic (1). Last evaluated 2025-04-10.

Conditions:
Familial cancer of breast. Also called: Hereditary breast cancer; BREAST CANCER, FAMILIAL; hereditary breast carcinoma. Identifiers: Orphanet 227535, MedGen C0346153, MONDO:0016419, OMIM 114480. Disease mechanism: loss of function.
Malignant tumor of breast. Also called: Malignant breast neoplasm; Cancer breast. Identifiers: MedGen C0006142, MONDO:0007254. Disease mechanism: loss of function.
Hereditary cancer-predisposing syndrome. Also called: Hereditary neoplastic syndrome; Neoplastic Syndromes, Hereditary; Tumor predisposition; Hereditary Cancer Syndrome. Identifiers: Orphanet 140162, MedGen C0027672, MeSH D009386, MONDO:0015356.

Submissions (5):

Ambry Genetics
Classification: Pathogenic for Hereditary cancer-predisposing syndrome. Last evaluated: 2025-04-10. Review status: criteria provided, single submitter. Criteria: Ambry Variant Classification Scheme 2023. Collection method: clinical testing. Allele origin: germline.
Comment: The c.1163dupC pathogenic mutation, located in coding exon 4 of the PALB2 gene, results from a duplication of C at nucleotide position 1163, causing a translational frameshift with a predicted alternate stop codon (p.L389Sfs*12). This alteration is expected to result in loss of function by premature protein truncation or nonsense-mediated mRNA decay. As such, this alteration is interpreted as a disease-causing mutation.

Myriad Genetics, Inc.
Classification: Pathogenic for Familial cancer of breast. Last evaluated: 2023-09-08. Review status: criteria provided, single submitter. Criteria: Myriad Autosomal Dominant, Autosomal Recessive and X-Linked Classification Criteria (2023). Collection method: clinical testing. Allele origin: unknown.
Comment: This variant is considered pathogenic. This variant creates a frameshift predicted to result in premature protein truncation.

Women's Health and Genetics/Laboratory Corporation of America, LabCorp
Classification: Pathogenic for Malignant tumor of breast. Last evaluated: 2023-08-07. Review status: criteria provided, single submitter. Criteria: LabCorp Variant Classification Summary - May 2015. Collection method: clinical testing. Allele origin: germline.
Comment: Variant summary: PALB2 c.1163dupC (p.Leu389SerfsX12) results in a premature termination codon, predicted to cause absence of the protein due to nonsense mediated decay, a commonly known mechanism for disease. The variant was absent in 251058 control chromosomes (gnomAD). c.1163dupC has not been reported in the literature in individuals affected with PALB2-related disorders, but has been reported in a bone marrow sample from an individual with bone marrow failure (Zhang_2015). To our knowledge, no experimental evidence demonstrating an impact on protein function has been reported. The following publication has been ascertained in the context of this evaluation (PMID: 25239263). Three submitters have cited clinical-significance assessments for this variant to ClinVar after 2014. All submitters classified the variant as pathogenic (n=2)/likely pathogenic (n=1). Based on the evidence outlined above, the variant was classified as pathogenic.

Labcorp Genetics (formerly Invitae), Labcorp
Classification: Pathogenic for Familial cancer of breast. Last evaluated: 2017-10-19. Review status: criteria provided, single submitter. Criteria: Invitae Variant Classification Sherloc (09022015). Collection method: clinical testing. Allele origin: germline.
Comment: This sequence change creates a premature translational stop signal (p.Leu389Serfs*12) in the PALB2 gene. It is expected to result in an absent or disrupted protein product. This variant is not present in population databases (ExAC no frequency). This variant has not been reported in the literature in individuals with PALB2-related disease. ClinVar contains an entry for this variant (Variation ID: 422680). Loss-of-function variants in PALB2 are known to be pathogenic (PMID: 17200668, 24136930, 25099575). For these reasons, this variant has been classified as Pathogenic.

GeneDx
Classification: Likely pathogenic. Last evaluated: 2016-11-02. Review status: criteria provided, single submitter. Criteria: GeneDx Variant Classification (06012015). Collection method: clinical testing. Allele origin: germline. Affected: yes.
Comment: This duplication of one nucleotide in PALB2 is denoted c.1163dupC at the cDNA level and p.Leu389SerfsX12 (L389SfsX12) at the protein level. The normal sequence, with the base that is duplicated in brackets, is TCTC[dupC]TCTT. The duplication causes a frameshift which changes a Leucine to a Serine at codon 389, and creates a premature stop codon at position 12 of the new reading frame. This variant is predicted to cause loss of normal protein function through either protein truncation or nonsense-mediated mRNA decay. Although PALB2 c.1163dupC has not, to our knowledge, been published in the literature as a germline variant, it was identified in a bone marrow sample from an individual with a personal history of bone marrow failure (Zhang 2015). Based on the currently available information, we consider this duplication to be a likely pathogenic variant.

Literature cited by the submitters: PubMed 25239263 (cited by Women's Health and Genetics/Laboratory Corporation of America, LabCorp); PubMed 17200668 (cited by Labcorp Genetics (formerly Invitae), Labcorp); PubMed 24136930 (cited by Labcorp Genetics (formerly Invitae), Labcorp); PubMed 25099575 (cited by Labcorp Genetics (formerly Invitae), Labcorp).